The following is an entry in ClinVar:

NM_020832.3(ZNF687):c.1099G>A (p.Glu367Lys)

Gene: ZNF687 (zinc finger protein 687; plus strand). Cytogenetic location: 1q21.3.
Variant type: single nucleotide variant.
Coding change: c.1099G>A on transcript NM_020832.3 (MANE Select); coding-DNA position 1099, G replaced by A.
Protein change: p.Glu367Lys; replaces glutamic acid 367 with lysine.
Molecular consequence: missense variant.
Genome position (GRCh38, 1-based): chr1:151,287,390, G>A. VCF-style: chr1-151287390-G-A. GRCh37 (hg19) VCF-style: chr1-151259866-G-A.
Other names: c.1099G>A, p.Glu367Lys (NM_001304763.2, NM_001304764.2); short protein forms E367K.
Identifiers: ClinVar variation 2718995 (VCV002718995.3), dbSNP rs1693998615, ClinGen allele CA341936040.

ClinVar aggregate classification (germline): Uncertain significance (1 of 4 stars; one submission).

Allele frequency attached by ClinVar (database versions not stated): gnomAD exomes below 0.00001.
gnomAD v4.1: 2 of 1,614,100 alleles (0.00012%); highest among the groups gnomAD compares: South Asian, 0.0011%; no homozygotes.

Submission:

Labcorp Genetics (formerly Invitae), Labcorp
Classification: Uncertain significance. Last evaluated: 2023-06-18. Review status: criteria provided, single submitter. Criteria: Invitae Variant Classification Sherloc (09022015). Collection method: clinical testing. Allele origin: germline.
Comment: In summary, the available evidence is currently insufficient to determine the role of this variant in disease. Therefore, it has been classified as a Variant of Uncertain Significance. An algorithm developed to predict the effect of missense changes on protein structure and function (PolyPhen-2) suggests that this variant is likely to be tolerated. This variant has not been reported in the literature in individuals affected with ZNF687-related conditions. This variant is not present in population databases (gnomAD no frequency). This sequence change replaces glutamic acid, which is acidic and polar, with lysine, which is basic and polar, at codon 367 of the ZNF687 protein (p.Glu367Lys).